The following is an entry in ClinVar:

ClinVar aggregate classification (germline): Uncertain significance (1 of 4 stars; one submission).

Conditions:
Rubinstein-Taybi syndrome due to EP300 haploinsufficiency. Also called: RUBINSTEIN-TAYBI SYNDROME 2; EP300-Related Rubinstein-Taybi Syndrome. Identifiers: Orphanet 353284, Orphanet 783, MedGen C3150941, MONDO:0013364, OMIM 613684.

Submission:

OLLIN Analises Genomicas, OLLIN
Classification: Uncertain significance for Rubinstein-Taybi syndrome due to EP300 haploinsufficiency. Last evaluated: 2025-07-30. Review status: criteria provided, single submitter. Criteria: ACMG Guidelines 2015 PMID 25741868. Collection method: clinical testing. Allele origin: germline. Affected: yes. Observed: 1 variant allele.
Comment: The nonsense variant (chr22:41177532C>T), located in exon 31 (of 31), is not reported in the gnomAD v4.1 non-UKB or ClinVar databases, nor has it been found in the scientific literature. This variant introduces a premature stop codon, resulting in a truncated protein or mRNA degradation via nonsense-mediated decay (NMD). Based on currently available evidence, this variant has been classified as of uncertain significance (VUS) (PVS1_S, PM2_P).

NM_001429.4(EP300):c.5821C>T (p.Gln1941Ter)

Gene: EP300 (EP300 lysine acetyltransferase; plus strand). Cytogenetic location: 22q13.2.
Variant type: single nucleotide variant.
Coding change: c.5821C>T on transcript NM_001429.4 (MANE Select); coding-DNA position 5821, C replaced by T.
Protein change: p.Gln1941Ter; replaces glutamine 1941 with a stop codon.
Molecular consequence: nonsense.
Genome position (GRCh38, 1-based): chr22:41,177,532, C>T. VCF-style: chr22-41177532-C-T. GRCh37 (hg19) VCF-style: chr22-41573536-C-T.
Other names: c.5743C>T, p.Gln1915Ter (NM_001362843.2); short protein forms Q1915*, Q1941*.
Identifiers: ClinVar variation 4814127 (VCV004814127.1).